The following is an entry in ClinVar:

ClinVar aggregate classification (germline): Pathogenic (1 of 4 stars; one submission).

Conditions:
Familial cystic renal disease. Identifiers: Orphanet 93587, MedGen C5680285, MONDO:0019741.

Submission:

Clinical Genetics Laboratory, Skane University Hospital Lund
Classification: Pathogenic for Familial cystic renal disease. Last evaluated: 2024-08-27. Review status: criteria provided, single submitter. Criteria: ACMG Guidelines, 2015. Collection method: clinical testing. Allele origin: germline. Affected: yes.
Comment: PVS1, PM2, PM3

NM_138694.4(PKHD1):c.8916del (p.Ser2973fs)

Gene: PKHD1 (PKHD1 ciliary IPT domain containing fibrocystin/polyductin; minus strand). Cytogenetic location: 6p12.3.
Variant type: Deletion.
Coding change: c.8916del on transcript NM_138694.4 (MANE Select); coding-DNA position 8916, one base deleted (G; older notation c.8916delG).
Protein change: p.Ser2973fs; shifts the reading frame from serine 2973.
Molecular consequence: frameshift variant.
Genome position (GRCh38, 1-based): chr6:51,753,235, C deleted on the plus strand (G on the coding strand, the reverse complement: PKHD1 is on the minus strand); the first of 4 consecutive C bases (chr6:51,753,235-51,753,238); deleting any one gives the same sequence. VCF-style (leftmost placement, unchanged base first): chr6-51753234-AC-A. GRCh37 (hg19) VCF-style: chr6-51618032-AC-A.
Other names: c.8916del, p.Ser2973fs (NM_170724.3); short protein forms S2973fs.
Identifiers: ClinVar variation 3767383 (VCV003767383.1).